The following is an entry in ClinVar:

NM_001283009.2(RTEL1):c.3104C>A (p.Pro1035Gln)

Genes: RTEL1 (regulator of telomere elongation helicase 1; plus strand), RTEL1-TNFRSF6B (RTEL1-TNFRSF6B readthrough (NMD candidate); plus strand). Cytogenetic location: 20q13.33.
Variant type: single nucleotide variant.
Coding change: c.3104C>A on transcript NM_001283009.2 (MANE Select); coding-DNA position 3104, C replaced by A.
Protein change: p.Pro1035Gln; replaces proline 1035 with glutamine.
Molecular consequence: missense variant. On other transcripts: non-coding transcript variant (1).
Genome position (GRCh38, 1-based): chr20:63,694,483, C>A. VCF-style: chr20-63694483-C-A. GRCh37 (hg19) VCF-style: chr20-62325836-C-A.
Other names: c.2435C>A, p.Pro812Gln (NM_001283010.1); c.3104C>A, p.Pro1035Gln (NM_016434.4); c.3176C>A, p.Pro1059Gln (NM_032957.5); short protein forms P1035Q, P812Q, P1059Q.
Identifiers: ClinVar variation 4157730 (VCV004157730.1).

ClinVar aggregate classification (germline): Uncertain significance (1 of 4 stars; one submission).

Conditions:
Inborn genetic diseases. Identifiers: MedGen C0950123, MeSH D030342.

Submission:

Ambry Genetics
Classification: Uncertain significance for Inborn genetic diseases. Last evaluated: 2025-09-10. Review status: criteria provided, single submitter. Criteria: Ambry Variant Classification Scheme 2023. Collection method: clinical testing. Allele origin: germline.
Comment: The p.P1035Q variant (also known as c.3104C>A), located in coding exon 30 of the RTEL1 gene, results from a C to A substitution at nucleotide position 3104. The proline at codon 1035 is replaced by glutamine, an amino acid with similar properties. This amino acid position is conserved. In addition, this alteration is predicted to be tolerated by in silico analysis. Based on the available evidence, the clinical significance of this variant remains unclear.